The following is an entry in ClinVar:

NM_001386795.1(DTNA):c.1367G>A (p.Arg456Gln)

Gene: DTNA (dystrobrevin alpha; plus strand). Cytogenetic location: 18q12.1.
Variant type: single nucleotide variant.
Coding change: c.1367G>A on transcript NM_001386795.1 (MANE Select); coding-DNA position 1367, G replaced by A.
Protein change: p.Arg456Gln; replaces arginine 456 with glutamine.
Molecular consequence: missense variant. On other transcripts: intron variant (1).
Genome position (GRCh38, 1-based): chr18:34,848,316, G>A. VCF-style: chr18-34848316-G-A. GRCh37 (hg19) VCF-style: chr18-32428280-G-A.
Other names: c.1106G>A, p.Arg369Gln (NM_001198938.2, NM_001198939.2, NM_001198940.2 and 13 more transcripts); c.413G>A, p.Arg138Gln (NM_001198942.1); c.356G>A, p.Arg119Gln (NM_001198943.1); c.242G>A, p.Arg81Gln (NM_001198944.1); c.1196G>A, p.Arg399Gln (NM_001386754.1, NM_001386755.1, NM_001386756.1 and 5 more transcripts); c.1115G>A, p.Arg372Gln (NM_001386761.1, NM_001386762.1, NM_032975.4 and 1 more transcripts); c.1367G>A, p.Arg456Gln (NM_001386788.1); c.1286G>A, p.Arg429Gln (NM_001390.5, NM_001391.5); and 4 more; short protein forms R429Q, R372Q, R426Q, R119Q, R138Q, R369Q, R51Q, R81Q.
Identifiers: ClinVar variation 411861 (VCV000411861.9), dbSNP rs777787083, ClinGen allele CA8935693.
Genomic context (GRCh38, chr18:34,848,316, plus strand): 5'-CAGTTGCCTAACGGTCTCCTTCTTGCTTTGTTCTTAATAGCATGCTTGAGAGTTCAAACC[G>A]GCTTGATGAAGAACACAGGCTAATTGCCAGGTATGCGGCAAGGCTGGCAGCAGAGTCCTC-3'
Protein context (NP_001373724.1, residues 446-466): NPSCMLESSN[Arg456Gln]LDEEHRLIAR

ClinVar aggregate classification (germline): Uncertain significance. Review status: criteria provided, multiple submitters, no conflicts (2 of 4 stars). 2 submissions from 2 submitters: Uncertain significance (2). Last evaluated 2025-02-19.

Conditions:
Left ventricular noncompaction 1 (LVNC1). Also called: LEFT VENTRICULAR NONCOMPACTION 1 WITH OR WITHOUT CONGENITAL HEART DEFECTS. Identifiers: Orphanet 54260, MedGen C1858725, MONDO:0011403, OMIM 604169.

Allele frequency attached by ClinVar (database versions not stated): ExAC 0.00001; gnomAD exomes 0.00001 and 0.00002; TOPMed 0.00002; gnomAD 0.00003 and 0.00004.
gnomAD v4.1: 35 of 1,613,834 alleles (0.0022%); highest among the groups gnomAD compares: East Asian, 0.027%; no homozygotes.

Submissions (2):

Labcorp Genetics (formerly Invitae), Labcorp
Classification: Uncertain significance for Left ventricular noncompaction 1. Last evaluated: 2025-02-19. Review status: criteria provided, single submitter. Criteria: Invitae Variant Classification Sherloc (09022015). Collection method: clinical testing. Allele origin: germline.
Comment: This sequence change replaces arginine, which is basic and polar, with glutamine, which is neutral and polar, at codon 429 of the DTNA protein (p.Arg429Gln). This variant is present in population databases (rs777787083, gnomAD 0.005%). This variant has not been reported in the literature in individuals affected with DTNA-related conditions. ClinVar contains an entry for this variant (Variation ID: 411861). An algorithm developed to predict the effect of missense changes on protein structure and function (PolyPhen-2) suggests that this variant is likely to be tolerated. In summary, the available evidence is currently insufficient to determine the role of this variant in disease. Therefore, it has been classified as a Variant of Uncertain Significance.

Ambry Genetics
Classification: Uncertain significance. Last evaluated: 2024-02-12. Review status: criteria provided, single submitter. Criteria: Ambry Variant Classification Scheme 2023. Collection method: clinical testing. Allele origin: germline.